The following is an entry in ClinVar:

NM_000128.4(F11):c.1124A>G (p.Lys375Arg)

Gene: F11 (coagulation factor XI; plus strand). Cytogenetic location: 4q35.2.
Variant type: single nucleotide variant.
Coding change: c.1124A>G on transcript NM_000128.4 (MANE Select); coding-DNA position 1124, A replaced by G.
Protein change: p.Lys375Arg; replaces lysine 375 with arginine.
Molecular consequence: missense variant.
Genome position (GRCh38, 1-based): chr4:186,280,569, A>G. VCF-style: chr4-186280569-A-G. GRCh37 (hg19) VCF-style: chr4-187201723-A-G.
Other names: c.1076A>G, p.Lys359Arg (NM_001440590.1, NM_001440596.1); c.1124A>G, p.Lys375Arg (NM_001440593.1); c.854A>G, p.Lys285Arg (NM_001440605.1, NM_001440607.1); c.806A>G, p.Lys269Arg (NM_001440606.1, NM_001440608.1); short protein forms K285R, K375R, K269R, K359R.
Identifiers: ClinVar variation 5003225 (VCV005003225.1).

ClinVar aggregate classification (germline): Uncertain significance (1 of 4 stars; one submission).

Conditions:
Hereditary factor XI deficiency disease. Also called: PLASMA THROMBOPLASTIN ANTECEDENT DEFICIENCY; PTA DEFICIENCY; ROSENTHAL SYNDROME; Congenital factor XI deficiency. Identifiers: Orphanet 329, MedGen C0015523, MeSH D005173, MONDO:0012897, OMIM 612416.

gnomAD v4.1: 7 of 1,610,972 alleles (0.00043%); highest among the groups gnomAD compares: South Asian, 0.0066%; no homozygotes.

Submission:

Myriad Genetics, Inc.
Classification: Uncertain significance for Hereditary factor XI deficiency disease. Last evaluated: 2026-04-15. Review status: criteria provided, single submitter. Criteria: Myriad Autosomal Dominant, Autosomal Recessive and X-Linked Classification Criteria (2023). Collection method: clinical testing. Allele origin: unknown.
Comment: NM_000128.3(F11):c.1124A>G(K375R) is a missense variant classified as a variant of uncertain significance in the context of factor XI deficiency. K375R has been observed in a case with relevant disease (PMID: 35773762). Relevant functional assessments of this variant are not available in the literature. K375R has not been observed in referenced population frequency databases. In summary, there is insufficient evidence to classify NM_000128.3(F11):c.1124A>G(K375R) as pathogenic or benign. Please note: this variant was assessed in the context of healthy population screening.

Literature cited by the submitters: PubMed 35773762.